The following is an entry in ClinVar:

NM_000238.4(KCNH2):c.2916_2917dup (p.Leu973fs)

Gene: KCNH2 (potassium voltage-gated channel subfamily H member 2; minus strand). Cytogenetic location: 7q36.1.
Variant type: Duplication.
Coding change: c.2916_2917dup on transcript NM_000238.4 (MANE Select); coding-DNA positions 2916 to 2917, 2 bases duplicated (CC; older notation c.2916_2917dupCC).
Protein change: p.Leu973fs; shifts the reading frame from leucine 973.
Molecular consequence: frameshift variant.
Genome position (GRCh38, 1-based): chr7:150,947,654-150,947,655, GG duplicated on the plus strand (CC on the coding strand, the reverse complement: KCNH2 is on the minus strand); duplicating any 2 consecutive bases within chr7:150,947,654-150,947,657 gives the same sequence; the c. name uses the placement nearest the transcript's 3' end. VCF-style (leftmost placement, unchanged base first): chr7-150947653-A-AGG. GRCh37 (hg19) VCF-style: chr7-150644741-A-AGG.
Other names: c.1896_1897dup, p.Leu633fs (NM_172057.3); c.2915_2916dupCC (NM_000238.2); short protein forms L633fs, L973fs.
Identifiers: ClinVar variation 200689 (VCV000200689.2), dbSNP rs794728463, ClinGen allele CA305333.

ClinVar aggregate classification (germline): Pathogenic (1 of 4 stars; one submission).

Submission:

GeneDx
Classification: Pathogenic. Last evaluated: 2014-01-30. Review status: criteria provided, single submitter. Criteria: GeneDx Variant Classification (06012015). Collection method: clinical testing. Allele origin: germline. Affected: yes.
Comment: The c.2916_2917dupCC pathogenic variant in the KCNH2 gene has been reported in one individual tested for LQTS, and was absent from greater than 2,600 reference alleles (Kapplinger et al., 2009). This variant causes a shift in reading frame starting at codon Leucine973, changing it to a Proline, and creating a premature stop codon at position two of the new reading frame, denoted p.Leu973ProfsX2. This variant is expected to result in either an abnormal, truncated protein product or loss of protein from this allele through nonsense-mediated mRNA decay. Other frameshift variants in the KCNH2 gene have been reported in association with LQTS.